The following is an entry in ClinVar:

ClinVar aggregate classification (germline): Uncertain significance (1 of 4 stars; one submission).

Conditions:
Hereditary cancer-predisposing syndrome. Also called: Neoplastic Syndromes, Hereditary; Tumor predisposition; Hereditary neoplastic syndrome; Hereditary Cancer Syndrome. Identifiers: Orphanet 140162, MedGen C0027672, MeSH D009386, MONDO:0015356.
Cardiovascular phenotype. Identifiers: MedGen CN230736.

Submission:

Ambry Genetics
Classification: Uncertain significance for Cardiovascular phenotype; Hereditary cancer-predisposing syndrome. Last evaluated: 2023-08-30. Review status: criteria provided, single submitter. Criteria: Ambry Variant Classification Scheme 2023. Collection method: clinical testing. Allele origin: germline.
Comment: The p.I820N variant (also known as c.2459T>A), located in coding exon 21 of the LZTR1 gene, results from a T to A substitution at nucleotide position 2459. The isoleucine at codon 820 is replaced by asparagine, an amino acid with dissimilar properties. This amino acid position is conserved. In addition, the in silico prediction for this alteration is inconclusive. Since supporting evidence is limited at this time, the clinical significance of this alteration remains unclear.

NM_006767.4(LZTR1):c.2459T>A (p.Ile820Asn)

Gene: LZTR1 (leucine zipper like post translational regulator 1; plus strand). Cytogenetic location: 22q11.21.
Variant type: single nucleotide variant.
Coding change: c.2459T>A on transcript NM_006767.4 (MANE Select); coding-DNA position 2459, T replaced by A.
Protein change: p.Ile820Asn; replaces isoleucine 820 with asparagine.
Molecular consequence: missense variant.
Genome position (GRCh38, 1-based): chr22:20,997,284, T>A. VCF-style: chr22-20997284-T-A. GRCh37 (hg19) VCF-style: chr22-21351573-T-A.
Other names: short protein forms I820N.
Identifiers: ClinVar variation 3238251 (VCV003238251.1), dbSNP rs1684653288.
Genomic context (GRCh38, chr22:20,997,284, plus strand): 5'-CCTTACAGGTCTCCAAGTTGCCCACCCTGCGGTCGCTGAGCCAGCAGCTGCTGCTGGACA[T>A]CATAGACTCCCTGGCCTCCCACATCTCAGACAAGCAGTGCGCAGAGCTGGGCGCCGACAT-3'
Protein context (NP_006758.2, residues 810-830): RSLSQQLLLD[Ile820Asn]IDSLASHISD